The following is an entry in ClinVar:

NM_005535.3(IL12RB1):c.29C>A (p.Pro10His)

Gene: IL12RB1 (interleukin 12 receptor subunit beta 1; minus strand). Cytogenetic location: 19p13.11.
Variant type: single nucleotide variant.
Coding change: c.29C>A on transcript NM_005535.3 (MANE Select); coding-DNA position 29, C replaced by A.
Protein change: p.Pro10His; replaces proline 10 with histidine.
Molecular consequence: missense variant.
Genome position (GRCh38, 1-based): chr19:18,086,795, G>T on the plus strand (C>A on the coding strand, the complement: IL12RB1 is on the minus strand). VCF-style: chr19-18086795-G-T. GRCh37 (hg19) VCF-style: chr19-18197605-G-T.
Other names: c.29C>A, p.Pro10His (NM_001290023.2, NM_153701.3); c.149C>A, p.Pro50His (NM_001290024.2); short protein forms P10H, P50H.
Identifiers: ClinVar variation 647780 (VCV000647780.5), dbSNP rs745474746, ClinGen allele CA9305395.

ClinVar aggregate classification (germline): Uncertain significance. Review status: criteria provided, multiple submitters, no conflicts (2 of 4 stars). 2 submissions from 2 submitters: Uncertain significance (2). Last evaluated 2024-09-27.

Conditions:
Mendelian susceptibility to mycobacterial diseases due to complete IL12RB1 deficiency. Also called: Immunodeficiency 30; IL12RB1 DEFICIENCY. Identifiers: Orphanet 319552, MedGen C4013949, MONDO:0013955, OMIM 614891.
Inborn genetic diseases. Identifiers: MedGen C0950123, MeSH D030342.

Allele frequency attached by ClinVar (database versions not stated): gnomAD 0.00003; ExAC 0.00011; gnomAD exomes 0.00008 and 0.00017; TOPMed 0.00011.
gnomAD v4.1: 50 of 1,611,956 alleles (0.0031%); highest among the groups gnomAD compares: Admixed American, 0.084%; no homozygotes.

Submissions (2):

Ambry Genetics
Classification: Uncertain significance for Inborn genetic diseases. Last evaluated: 2024-09-27. Review status: criteria provided, single submitter. Criteria: Ambry Variant Classification Scheme 2023. Collection method: clinical testing. Allele origin: germline.

Labcorp Genetics (formerly Invitae), Labcorp
Classification: Uncertain significance for Mendelian susceptibility to mycobacterial diseases due to complete IL12RB1 deficiency. Last evaluated: 2022-09-26. Review status: criteria provided, single submitter. Criteria: Invitae Variant Classification Sherloc (09022015). Collection method: clinical testing. Allele origin: germline.
Comment: This sequence change replaces proline, which is neutral and non-polar, with histidine, which is basic and polar, at codon 10 of the IL12RB1 protein (p.Pro10His). This variant is present in population databases (rs745474746, gnomAD 0.1%). This variant has not been reported in the literature in individuals affected with IL12RB1-related conditions. ClinVar contains an entry for this variant (Variation ID: 647780). Algorithms developed to predict the effect of missense changes on protein structure and function (SIFT, PolyPhen-2, Align-GVGD) all suggest that this variant is likely to be tolerated. In summary, the available evidence is currently insufficient to determine the role of this variant in disease. Therefore, it has been classified as a Variant of Uncertain Significance.